The following is an entry in ClinVar:

NM_000057.4(BLM):c.479_480del (p.Asp159_Phe160insTer)

Gene: BLM (BLM RecQ like helicase; plus strand). Cytogenetic location: 15q26.1.
Variant type: Deletion.
Coding change: c.479_480del on transcript NM_000057.4 (MANE Select); coding-DNA positions 479 to 480, 2 bases deleted (TT; older notation c.479_480delTT).
Protein change: p.Asp159_Phe160insTer.
Molecular consequence: nonsense. On other transcripts: 5 prime UTR variant (1).
Genome position (GRCh38, 1-based): chr15:90,749,747-90,749,748, TT deleted; deleting any 2 consecutive bases within chr15:90,749,746-90,749,748 gives the same sequence; the c. name uses the placement nearest the transcript's 3' end. VCF-style (leftmost placement, unchanged base first): chr15-90749745-CTT-C. GRCh37 (hg19) VCF-style: chr15-91292975-CTT-C.
Other names: c.479_480del, p.Asp159_Phe160insTer (NM_001287246.2, NM_001287247.2); c.-813_-812del (NM_001287248.2); c.479_480del (NM_000057.3); c.479_480delTT (NM_000057.2).
Identifiers: ClinVar variation 557304 (VCV000557304.16), dbSNP rs1555418352, ClinGen allele CA658824603.

ClinVar aggregate classification (germline): Pathogenic/Likely pathogenic. Review status: criteria provided, multiple submitters, no conflicts (2 of 4 stars). 5 submissions from 5 submitters: Pathogenic (3); Likely pathogenic (1). 1 of the submissions does not count toward it. Last evaluated 2026-04-14.

Conditions:
Hereditary cancer-predisposing syndrome. Also called: Neoplastic Syndromes, Hereditary; Hereditary Cancer Syndrome; Hereditary neoplastic syndrome; Tumor predisposition. Identifiers: Orphanet 140162, MedGen C0027672, MeSH D009386, MONDO:0015356.
Bloom syndrome (BLM). Also called: Bloom-Torre-Machacek syndrome. Identifiers: Orphanet 125, MedGen C0005859, MONDO:0008876, OMIM 210900.

Submissions (5):

Myriad Genetics, Inc.
Classification: Pathogenic for Bloom syndrome. Last evaluated: 2026-04-14. Review status: criteria provided, single submitter. Criteria: Myriad Autosomal Dominant, Autosomal Recessive and X-Linked Classification Criteria (2023). Collection method: clinical testing. Allele origin: unknown.
Comment: This variant is considered pathogenic. This variant creates a termination codon and is predicted to result in premature protein truncation.

Labcorp Genetics (formerly Invitae), Labcorp
Classification: Pathogenic for Bloom syndrome. Last evaluated: 2025-11-02. Review status: criteria provided, single submitter. Criteria: Invitae Variant Classification Sherloc (09022015). Collection method: clinical testing. Allele origin: germline.
Comment: This sequence change creates a premature translational stop signal (p.Phe160*) in the BLM gene. It is expected to result in an absent or disrupted protein product. Loss-of-function variants in BLM are known to be pathogenic (PMID: 17407155). This variant is not present in population databases (gnomAD no frequency). This variant has not been reported in the literature in individuals affected with BLM-related conditions. ClinVar contains an entry for this variant (Variation ID: 557304). For these reasons, this variant has been classified as Pathogenic.

Ambry Genetics
Classification: Pathogenic for Hereditary cancer-predisposing syndrome. Last evaluated: 2023-06-02. Review status: criteria provided, single submitter. Criteria: Ambry Variant Classification Scheme 2023. Collection method: clinical testing. Allele origin: germline.
Comment: The c.479_480delTT pathogenic mutation, located in coding exon 2 of the BLM gene, results from a deletion of two nucleotides at nucleotide positions 479 to 480, causing a translational frameshift with a predicted alternate stop codon (p.F160*). This variant is considered to be rare based on population cohorts in the Genome Aggregation Database (gnomAD). This alteration is expected to result in loss of function by premature protein truncation or nonsense-mediated mRNA decay. As such, this alteration is interpreted as a disease-causing mutation.

Revvity Omics, Revvity
Classification: Likely pathogenic for Bloom syndrome. Last evaluated: 2022-06-08. Review status: criteria provided, single submitter. Criteria: ACMG Guidelines, 2015. Collection method: clinical testing. Allele origin: germline.

Counsyl
Classification: Likely pathogenic for Bloom syndrome. Last evaluated: 2018-03-21. Review status: no assertion criteria provided. Collection method: clinical testing. Allele origin: unknown. Not counted in ClinVar's aggregate classification.

Literature cited by the submitters: PubMed 17407155 (cited by Labcorp Genetics (formerly Invitae), Labcorp).